The following is an entry in ClinVar:

NM_006206.6(PDGFRA):c.1491C>A (p.Ile497=)

Gene: PDGFRA (platelet derived growth factor receptor alpha; plus strand). Cytogenetic location: 4q12.
Variant type: single nucleotide variant.
Coding change: c.1491C>A on transcript NM_006206.6 (MANE Select); coding-DNA position 1491, C replaced by A.
Protein change: p.Ile497=; no amino-acid change (isoleucine 497 retained).
Molecular consequence: synonymous variant.
Genome position (GRCh38, 1-based): chr4:54,273,663, C>A. VCF-style: chr4-54273663-C-A. GRCh37 (hg19) VCF-style: chr4-55139830-C-A.
Other names: c.1491C>A, p.Ile497= (NM_001347827.2, NM_001347829.2); c.1566C>A, p.Ile522= (NM_001347828.2); c.1530C>A, p.Ile510= (NM_001347830.2).
Identifiers: ClinVar variation 459004 (VCV000459004.19), dbSNP rs752368881, ClinGen allele CA439287038.
Genomic context (GRCh38, chr4:54,273,663, plus strand): 5'-CTCCCGAGACAGGAGTACCGTGGAGGGCCGTGTGACTTTCGCCAAAGTGGAGGAGACCAT[C>A]GCCGTGCGATGCCTGGCTAAGAATCTCCTTGGAGCTGAGAACCGAGAGCTGAAGCTGGTG-3'
Protein context (NP_006197.1, residues 487-507): RVTFAKVEET[Ile497=]AVRCLAKNLL

ClinVar aggregate classification (germline): Benign/Likely benign. Review status: criteria provided, multiple submitters, no conflicts (2 of 4 stars). 3 submissions from 3 submitters: Benign (2); Likely benign (1). Last evaluated 2026-06-17.

Conditions:
Polyps, multiple and recurrent inflammatory fibroid, gastrointestinal. Identifiers: MedGen C5193005, MONDO:0008285, OMIM 175510.
Gastrointestinal stromal tumor. Also called: Gastrointestinal stroma tumor; Gastrointestinal stromal tumor, somatic. Identifiers: Orphanet 44890, MedGen C0238198, MeSH D046152, MONDO:0011719, OMIM 606764, HP:0100723.
Hereditary cancer-predisposing syndrome. Also called: Tumor predisposition; Hereditary neoplastic syndrome; Neoplastic Syndromes, Hereditary; Hereditary Cancer Syndrome. Identifiers: Orphanet 140162, MedGen C0027672, MeSH D009386, MONDO:0015356.

gnomAD v4.1: 3 of 1,614,024 alleles (0.00019%); highest among the groups gnomAD compares: East Asian, 0.0067%; no homozygotes.

Submissions (3):

Myriad Genetics, Inc.
Classification: Benign for Polyps, multiple and recurrent inflammatory fibroid, gastrointestinal. Last evaluated: 2026-06-17. Review status: criteria provided, single submitter. Criteria: Myriad Autosomal Dominant, Autosomal Recessive and X-Linked Classification Criteria (2023). Collection method: clinical testing. Allele origin: unknown.
Comment: This variant is considered benign. This variant is a silent/synonymous amino acid change and it is not expected to impact splicing.

Labcorp Genetics (formerly Invitae), Labcorp
Classification: Likely benign for Gastrointestinal stromal tumor. Last evaluated: 2025-11-22. Review status: criteria provided, single submitter. Criteria: Invitae Variant Classification Sherloc (09022015). Collection method: clinical testing. Allele origin: germline.

Ambry Genetics
Classification: Benign for Hereditary cancer-predisposing syndrome. Last evaluated: 2024-10-28. Review status: criteria provided, single submitter. Criteria: Ambry Variant Classification Scheme 2023. Collection method: clinical testing. Allele origin: germline.